The following is an entry in ClinVar:

ClinVar aggregate classification (germline): Benign (1 of 4 stars; one submission).

Allele frequency attached by ClinVar (database versions not stated): gnomAD 0.29387 and 0.30101; 1000 Genomes Project 30x 0.31168; TOPMed 0.29090; 1000 Genomes Project 0.32408.

Submission:

GeneDx
Classification: Benign. Last evaluated: 2018-06-14. Review status: criteria provided, single submitter. Criteria: GeneDx Variant Classification (06012015). Collection method: clinical testing. Allele origin: germline. Affected: yes.
Comment: This variant is considered likely benign or benign based on one or more of the following criteria: it is a conservative change, it occurs at a poorly conserved position in the protein, it is predicted to be benign by multiple in silico algorithms, and/or has population frequency not consistent with disease.

NM_001931.4(DLAT):c.-943G>T

Genes: DLAT (dihydrolipoamide S-acetyltransferase; plus strand), LOC130006760 (ATAC-STARR-seq lymphoblastoid active region 5527; plus strand). Cytogenetic location: 11q23.1.
Variant type: single nucleotide variant.
Coding change: c.-943G>T on transcript NM_001931.4; 943 bases upstream of the start codon, G replaced by T.
Genome position (GRCh38, 1-based): chr11:112,024,530, G>T. VCF-style: chr11-112024530-G-T. GRCh37 (hg19) VCF-style: chr11-111895254-G-T.
Identifiers: ClinVar variation 669710 (VCV000669710.3), dbSNP rs2276390, ClinGen allele CA13470767.
Genomic context (GRCh38, chr11:112,024,530, plus strand): 5'-ACTTTTTATTCATTGATTCAAAAGACATACATTCAGCCCCCGCTATTTACTGGATATTAA[G>T]CTCTGGGGCTACATGGAAGGACCACGCAGACACTCTTCATGCCTTCAACGGCTTACAGTT-3'